The following is an entry in ClinVar:

NM_000520.6(HEXA):c.642G>C (p.Glu214Asp)

Gene: HEXA (hexosaminidase subunit alpha; minus strand). Cytogenetic location: 15q23.
Variant type: single nucleotide variant.
Coding change: c.642G>C on transcript NM_000520.6 (MANE Select); coding-DNA position 642, G replaced by C.
Protein change: p.Glu214Asp; replaces glutamic acid 214 with aspartic acid.
Molecular consequence: missense variant. On other transcripts: non-coding transcript variant (1).
Genome position (GRCh38, 1-based): chr15:72,351,163, C>G on the plus strand (G>C on the coding strand, the complement: HEXA is on the minus strand). VCF-style: chr15-72351163-C-G. GRCh37 (hg19) VCF-style: chr15-72643504-C-G.
Other names: c.675G>C, p.Glu225Asp (NM_001318825.2); c.642G>C (NM_000520.4); short protein forms E214D, E225D.
Identifiers: ClinVar variation 2155514 (VCV002155514.2), dbSNP rs139948663, ClinGen allele CA7644941.
Genomic context (GRCh38, chr15:72,351,163, plus strand): 5'-AAACTTGGTCTGAGTGAAACGGGAACATACCTTTCTCATGAGCTCTGGAAAAGTGAAGCT[C>G]TCATATGGGAAGGAAGGATCATCTACCAGATGCCAGTGGAACACGTTCAATTTATTGTAC-3'
Protein context (NP_000511.2, residues 204-224): HLVDDPSFPY[Glu214Asp]SFTFPELMRK

ClinVar aggregate classification (germline): Uncertain significance. Review status: criteria provided, multiple submitters, no conflicts (2 of 4 stars). 2 submissions from 2 submitters: Uncertain significance (2). Last evaluated 2025-10-02.

Conditions:
Inborn genetic diseases. Identifiers: MedGen C0950123, MeSH D030342.
Tay-Sachs disease (TSD). Also called: GM2 gangliosidosis, type 1; Hexosaminidase alpha-subunit deficiency (variant B); Sphingolipidosis, Tay-Sachs; Hexosaminidase A Deficiency; HEXA DEFICIENCY; HEXA Disorders. Identifiers: Orphanet 845, MedGen C0039373, MONDO:0010100, OMIM 272800.

Allele frequency attached by ClinVar (database versions not stated): gnomAD exomes below 0.00001; TOPMed 0.00001; ExAC 0.00002; gnomAD 0.00003; ESP Exome Variant Server 0.00008.

Submissions (2):

Ambry Genetics
Classification: Uncertain significance for Inborn genetic diseases. Last evaluated: 2025-10-02. Review status: criteria provided, single submitter. Criteria: Ambry Variant Classification Scheme 2023. Collection method: clinical testing. Allele origin: germline.

Labcorp Genetics (formerly Invitae), Labcorp
Classification: Uncertain significance for Tay-Sachs disease. Last evaluated: 2022-06-07. Review status: criteria provided, single submitter. Criteria: Invitae Variant Classification Sherloc (09022015). Collection method: clinical testing. Allele origin: germline.
Comment: This sequence change replaces glutamic acid, which is acidic and polar, with aspartic acid, which is acidic and polar, at codon 214 of the HEXA protein (p.Glu214Asp). This variant is present in population databases (rs139948663, gnomAD 0.008%). This variant has not been reported in the literature in individuals affected with HEXA-related conditions. Algorithms developed to predict the effect of missense changes on protein structure and function output the following: SIFT: "Tolerated"; PolyPhen-2: "Benign"; Align-GVGD: "Class C0". The aspartic acid amino acid residue is found in multiple mammalian species, which suggests that this missense change does not adversely affect protein function. Algorithms developed to predict the effect of sequence changes on RNA splicing suggest that this variant may create or strengthen a splice site. In summary, the available evidence is currently insufficient to determine the role of this variant in disease. Therefore, it has been classified as a Variant of Uncertain Significance.